The following is an entry in ClinVar:

ClinVar aggregate classification (germline): Uncertain significance (1 of 4 stars; one submission).

Conditions:
CHD7-related disorder. Also called: CHD7-related condition.

Submission:

PreventionGenetics, part of Exact Sciences
Classification: Uncertain significance for CHD7-related condition. Last evaluated: 2026-09-18. Review status: criteria provided, single submitter. Criteria: ACMG Guidelines, 2015. Collection method: clinical testing. Allele origin: germline.
Comment: The CHD7 c.5099C>A variant is predicted to result in the amino acid substitution p.Ala1700Asp. To our knowledge, this variant has not been reported in the literature or in a large population database (gnomAD), indicating this variant is rare. At this time, the clinical significance of this variant is uncertain due to the absence of conclusive functional and genetic evidence.

NM_017780.4(CHD7):c.5099C>A (p.Ala1700Asp)

Gene: CHD7 (chromodomain helicase DNA binding protein 7; plus strand). Cytogenetic location: 8q12.2.
Variant type: single nucleotide variant.
Coding change: c.5099C>A on transcript NM_017780.4 (MANE Select); coding-DNA position 5099, C replaced by A.
Protein change: p.Ala1700Asp; replaces alanine 1700 with aspartic acid.
Molecular consequence: missense variant. On other transcripts: intron variant (1).
Genome position (GRCh38, 1-based): chr8:60,845,298, C>A. VCF-style: chr8-60845298-C-A. GRCh37 (hg19) VCF-style: chr8-61757857-C-A.
Other names: c.1717-16931C>A (NM_001316690.1); short protein forms A1700D.
Identifiers: ClinVar variation 4982886 (VCV004982886.1).